The following is an entry in ClinVar:

NM_005121.3(MED13):c.5645G>A (p.Arg1882His)

Gene: MED13 (mediator complex subunit 13; minus strand). Cytogenetic location: 17q23.2.
Variant type: single nucleotide variant.
Coding change: c.5645G>A on transcript NM_005121.3 (MANE Select); coding-DNA position 5645, G replaced by A.
Protein change: p.Arg1882His; replaces arginine 1882 with histidine.
Molecular consequence: missense variant.
Genome position (GRCh38, 1-based): chr17:61,955,817, C>T on the plus strand (G>A on the coding strand, the complement: MED13 is on the minus strand). VCF-style: chr17-61955817-C-T. GRCh37 (hg19) VCF-style: chr17-60033178-C-T.
Other names: short protein forms R1882H.
Identifiers: ClinVar variation 2635881 (VCV002635881.1), dbSNP rs2509214252, ClinGen allele CA400505023.

ClinVar aggregate classification (germline): Uncertain significance (1 of 4 stars; one submission).

Conditions:
MED13-related disorder. Also called: MED13-related condition.

Allele frequency attached by ClinVar (database versions not stated): gnomAD exomes below 0.00001.
gnomAD v4.1: 1 of 1,486,784 alleles (0.000067%); highest among the groups gnomAD compares: Non-Finnish European, 0.00009%; no homozygotes.

Submission:

PreventionGenetics, part of Exact Sciences
Classification: Uncertain significance for MED13-related condition. Last evaluated: 2023-09-12. Review status: criteria provided, single submitter. Criteria: ACMG Guidelines, 2015. Collection method: clinical testing. Allele origin: germline.
Comment: The MED13 c.5645G>A variant is predicted to result in the amino acid substitution p.Arg1882His. To our knowledge, this variant has not been reported in the literature or in a large population database, indicating this variant is rare. At this time, the clinical significance of this variant is uncertain due to the absence of conclusive functional and genetic evidence.